The following is an entry in ClinVar:

NM_017635.5(KMT5B):c.1069C>T (p.Arg357Cys)

Gene: KMT5B (lysine methyltransferase 5B; minus strand). Cytogenetic location: 11q13.2.
Variant type: single nucleotide variant.
Coding change: c.1069C>T on transcript NM_017635.5 (MANE Select); coding-DNA position 1069, C replaced by T.
Protein change: p.Arg357Cys; replaces arginine 357 with cysteine.
Molecular consequence: missense variant. On other transcripts: non-coding transcript variant (3).
Genome position (GRCh38, 1-based): chr11:68,167,087, G>A on the plus strand (C>T on the coding strand, the complement: KMT5B is on the minus strand). VCF-style: chr11-68167087-G-A. GRCh37 (hg19) VCF-style: chr11-67934554-G-A.
Other names: c.553C>T, p.Arg185Cys (NM_001300907.1, NM_001369424.1, NM_001369428.1 and 5 more transcripts); c.349C>T, p.Arg117Cys (NM_001300908.2); c.1000C>T, p.Arg334Cys (NM_001300909.2); c.1069C>T, p.Arg357Cys (NM_001363566.2, NM_001369426.1, NM_001369427.1 and 1 more transcripts); c.856C>T, p.Arg286Cys (NM_001369425.1); short protein forms R117C, R185C, R286C, R334C, R357C.
Identifiers: ClinVar variation 3252442 (VCV003252442.1), dbSNP rs2153047332.

ClinVar aggregate classification (germline): Uncertain significance (1 of 4 stars; one submission).

Submission:

GeneDx
Classification: Uncertain significance. Last evaluated: 2024-06-26. Review status: criteria provided, single submitter. Criteria: GeneDx Variant Classification Process June 2021. Collection method: clinical testing. Allele origin: germline. Affected: yes.
Comment: Not observed at significant frequency in large population cohorts (gnomAD); In silico analysis supports that this missense variant has a deleterious effect on protein structure/function; Has not been previously published as pathogenic or benign to our knowledge